The following is an entry in ClinVar:

ClinVar aggregate classification (germline): Conflicting classifications of pathogenicity. Review status: criteria provided, conflicting classifications (1 of 4 stars). 2 submissions from 2 submitters: Uncertain significance (1); Likely benign (1). Last evaluated 2025-11-15.

Conditions:
Rhabdoid tumor predisposition syndrome 2 (RTPS2). Identifiers: Orphanet 231108, Orphanet 69077, MedGen C2750074, MONDO:0013224, OMIM 613325.

Allele frequency attached by ClinVar (database versions not stated): gnomAD 0.00003.
gnomAD v4.1: 14 of 1,572,734 alleles (0.00089%); highest among the groups gnomAD compares: Non-Finnish European, 0.0011%; no homozygotes.

Submissions (2):

Labcorp Genetics (formerly Invitae), Labcorp
Classification: Likely benign for Rhabdoid tumor predisposition syndrome 2. Last evaluated: 2025-11-15. Review status: criteria provided, single submitter. Criteria: Invitae Variant Classification Sherloc (09022015). Collection method: clinical testing. Allele origin: germline.

Quest Diagnostics Nichols Institute San Juan Capistrano
Classification: Uncertain significance. Last evaluated: 2023-08-09. Review status: criteria provided, single submitter. Criteria: Quest Diagnostics criteria. Collection method: clinical testing. Allele origin: unknown.
Comment: To the best of our knowledge, this variant has not been reported in the published literature. The frequency of this variant in the general population, 0.0000095 (2/211126 chromosomes (Genome Aggregation Database)), is uninformative in the assessment of its pathogenicity. Analysis of this variant using software algorithms for the prediction of the effect of nucleotide changes on SMARCA4 mRNA splicing yielded inconclusive findings . Based on the available information, we are unable to determine the clinical significance of this variant.

NM_003072.5(SMARCA4):c.4769-7C>A

Gene: SMARCA4 (SWI/SNF related BAF chromatin remodeling complex subunit ATPase 4; plus strand). Cytogenetic location: 19p13.2.
Variant type: single nucleotide variant.
Coding change: c.4769-7C>A on transcript NM_003072.5 (MANE Select); 7 bases into the intron before coding-DNA position 4769, C replaced by A.
Molecular consequence: intron variant.
Genome position (GRCh38, 1-based): chr19:11,060,038, C>A. VCF-style: chr19-11060038-C-A. GRCh37 (hg19) VCF-style: chr19-11170714-C-A.
Other names: c.4769-7C>A (NM_001128844.3); c.4865-7C>A (NM_001128849.3, NM_001387283.1); c.4670-7C>A (NM_001128847.4, NM_001374457.1); c.4679-7C>A (NM_001128845.2); c.4676-7C>A (NM_001128846.2); c.4667-7C>A (NM_001128848.2).
Identifiers: ClinVar variation 537811 (VCV000537811.12), dbSNP rs907366824, ClinGen allele CA305298959.